The following is an entry in ClinVar:

NM_001349338.3(FOXP1):c.1544_1569dup (p.Val524fs)

Gene: FOXP1 (forkhead box P1; minus strand). Cytogenetic location: 3p13.
Variant type: Duplication.
Coding change: c.1544_1569dup on transcript NM_001349338.3 (MANE Select); coding-DNA positions 1544 to 1569, 26 bases duplicated (ATAATCTTAGTCTTCACAAGTGTTTT).
Protein change: p.Val524fs; shifts the reading frame from valine 524.
Molecular consequence: frameshift variant. On other transcripts: non-coding transcript variant (2), intron variant (1).
Genome position (GRCh38, 1-based): chr3:70,972,638-70,972,663, AAAACACTTGTGAAGACTAAGATTAT duplicated on the plus strand (ATAATCTTAGTCTTCACAAGTGTTTT on the coding strand, the reverse complement: FOXP1 is on the minus strand). VCF-style (leftmost placement, unchanged base first): chr3-70972637-C-CAAAACACTTGTGAAGACTAAGATTAT. GRCh37 (hg19) VCF-style: chr3-71021788-C-CAAAACACTTGTGAAGACTAAGATTAT.
Other names: c.1241_1266dup, p.Val423fs (NM_001349337.2, NM_001349343.3, NM_001349344.3 and 1 more transcripts); c.1544_1569dup, p.Val524fs (NM_001349340.3, NM_032682.6, NM_001244814.3 and 1 more transcripts); c.1541_1566dup, p.Val523fs (NM_001349341.3, NM_001244808.3); c.1244_1269dup, p.Val424fs (NM_001349342.3, NM_001244813.3, NM_001244815.2); c.1531-483_1531-458dup (NM_001244810.2); c.1544_1569dupATAATCTTAGTCTTCACAAGTGTTTT (NM_032682.5); c.1316_1341dup, p.Val448fs (NM_001244812.3); short protein forms V448fs, V424fs, V524fs, V423fs, V523fs.
Identifiers: ClinVar variation 280654 (VCV000280654.2), dbSNP rs886041821, ClinGen allele CA10602907.
Genomic context (GRCh38, chr3:70,972,637, plus strand): 5'-GTTTTTGGAATTCTACTTCATCCACTGTCCATACTGCCCCTTTAACGTTTTCTACTCGCA[C>CAAAACACTTGTGAAGACTAAGATTAT]AAAACACTTGTGAAGACTAAGATTATGACGCACTGCATTCTGCAGCAAGTATAAAAGAGA-3'

ClinVar aggregate classification (germline): Pathogenic (1 of 4 stars; one submission).

Submission:

GeneDx
Classification: Pathogenic. Last evaluated: 2016-06-06. Review status: criteria provided, single submitter. Criteria: GeneDx Variant Classification (06012015). Collection method: clinical testing. Allele origin: germline. Affected: yes.
Comment: The c.1544_1569dup26 pathogenic variant in the FOXP1 gene has not been reported previously as a pathogenic variant nor as a benign variant, to our knowledge. This variant causes a frameshift starting with codon Valine 524, changes this amino acid to an Isoleucine residue, and creates a premature Stop codon at position 12 of the new reading frame, denoted p.Val524IlefsX12. This variant is predicted to cause loss of normal protein function either through protein truncation or nonsense-mediated mRNA decay. The c.1544_1569dup26 variant was not observed in approximately 6500 individuals of European and African American ancestry in the NHLBI Exome Sequencing Project, indicating it is not a common benign variant in these populations. We interpret c.1544_1569dup26 as a pathogenic variant.